The following is an entry in ClinVar:

NM_152564.5(VPS13B):c.6183del (p.Asn2062fs)

Gene: VPS13B (vacuolar protein sorting 13 homolog B; plus strand). Cytogenetic location: 8q22.2.
Variant type: Deletion.
Coding change: c.6183del on transcript NM_152564.5 (MANE Select); coding-DNA position 6183, one base deleted (C; older notation c.6183delC).
Protein change: p.Asn2062fs; shifts the reading frame from asparagine 2062.
Molecular consequence: frameshift variant.
Genome position (GRCh38, 1-based): chr8:99,699,661, C deleted; the last of 2 consecutive C bases (chr8:99,699,660-99,699,661); deleting either gives the same sequence. VCF-style (leftmost placement, unchanged base first): chr8-99699659-TC-T. GRCh37 (hg19) VCF-style: chr8-100711887-TC-T.
Other names: c.6258del, p.Asn2087fs (NM_017890.5); short protein forms N2062fs, N2087fs.
Identifiers: ClinVar variation 2733565 (VCV002733565.3), dbSNP rs2491483952, ClinGen allele CA2697550037.

ClinVar aggregate classification (germline): Pathogenic (1 of 4 stars; one submission).

Conditions:
Cohen syndrome (COH1). Also called: Cutis verticis gyrata, retinitis pigmentosa, and sensorineural deafness; PEPPER SYNDROME. Identifiers: Orphanet 193, MedGen C0265223, MONDO:0008999, OMIM 216550.

Submission:

Labcorp Genetics (formerly Invitae), Labcorp
Classification: Pathogenic for Cohen syndrome. Last evaluated: 2023-05-26. Review status: criteria provided, single submitter. Criteria: Invitae Variant Classification Sherloc (09022015). Collection method: clinical testing. Allele origin: germline.
Comment: This sequence change creates a premature translational stop signal (p.Asn2087Thrfs*4) in the VPS13B gene. It is expected to result in an absent or disrupted protein product. Loss-of-function variants in VPS13B are known to be pathogenic (PMID: 15141358, 16648375, 20461111). This variant is not present in population databases (gnomAD no frequency). This variant has not been reported in the literature in individuals affected with VPS13B-related conditions. For these reasons, this variant has been classified as Pathogenic.

Literature cited by the submitters: PubMed 15141358; PubMed 16648375; PubMed 20461111.